The following is an entry in ClinVar:

ClinVar aggregate classification (germline): Uncertain significance (1 of 4 stars; one submission).

gnomAD v4.1: 1 of 1,614,130 alleles (0.000062%); highest among the groups gnomAD compares: Non-Finnish European, 0.000085%; no homozygotes.

Submission:

Labcorp Genetics (formerly Invitae), Labcorp
Classification: Uncertain significance. Last evaluated: 2024-08-12. Review status: criteria provided, single submitter. Criteria: Invitae Variant Classification Sherloc (09022015). Collection method: clinical testing. Allele origin: germline.
Comment: This sequence change replaces serine, which is neutral and polar, with proline, which is neutral and non-polar, at codon 975 of the NSD1 protein (p.Ser975Pro). This variant is not present in population databases (gnomAD no frequency). This variant has not been reported in the literature in individuals affected with NSD1-related conditions. Advanced modeling of protein sequence and biophysical properties (such as structural, functional, and spatial information, amino acid conservation, physicochemical variation, residue mobility, and thermodynamic stability) performed at Invitae indicates that this missense variant is not expected to disrupt NSD1 protein function with a negative predictive value of 95%. In summary, the available evidence is currently insufficient to determine the role of this variant in disease. Therefore, it has been classified as a Variant of Uncertain Significance.

NM_022455.5(NSD1):c.2923T>C (p.Ser975Pro)

Gene: NSD1 (nuclear receptor binding SET domain protein 1; plus strand). Cytogenetic location: 5q35.3.
Variant type: single nucleotide variant.
Coding change: c.2923T>C on transcript NM_022455.5 (MANE Select); coding-DNA position 2923, T replaced by C.
Protein change: p.Ser975Pro; replaces serine 975 with proline.
Molecular consequence: missense variant.
Genome position (GRCh38, 1-based): chr5:177,211,322, T>C. VCF-style: chr5-177211322-T-C. GRCh37 (hg19) VCF-style: chr5-176638323-T-C.
Other names: c.2050T>C, p.Ser684Pro (NM_001365684.2, NM_001409306.1, NM_001409307.1 and 3 more transcripts); c.2923T>C, p.Ser975Pro (NM_001409301.1, NM_001409302.1, NM_001409303.1); c.2503T>C, p.Ser835Pro (NM_001409304.1); c.2170T>C, p.Ser724Pro (NM_001409305.1); short protein forms S724P, S684P, S835P, S975P.
Identifiers: ClinVar variation 3690014 (VCV003690014.2).
Genomic context (GRCh38, chr5:177,211,322, plus strand): 5'-GTTTTGGTTTCAGGAGGCTCCACACACAATTCAGAGAAAAAGGGAGATGGCACTCAGAAC[T>C]CCGCCAATCCTAGCCCTAGTGGGGGTGACTCTGCATTATCTGGCGAGTTGTCTGCTTCCC-3'
Protein context (NP_071900.2, residues 965-985): SEKKGDGTQN[Ser975Pro]ANPSPSGGDS